The following is an entry in ClinVar:

NC_000008.11:g.(?_100162279)_(100162420_?)del

Gene: SPAG1 (sperm associated antigen 1; plus strand). Cytogenetic location: 8q22.2.
Variant type: Deletion.
Identifiers: ClinVar variation 417543 (VCV000417543.1).

ClinVar aggregate classification (germline): Pathogenic (1 of 4 stars; one submission).

Conditions:
Primary ciliary dyskinesia 28. Also called: CILIARY DYSKINESIA, PRIMARY, 28, WITH OR WITHOUT SITUS INVERSUS. Identifiers: Orphanet 244, MedGen C3809706, MONDO:0014216, OMIM 615505.

Submission:

Labcorp Genetics (formerly Invitae), Labcorp
Classification: Pathogenic for Primary ciliary dyskinesia 28. Last evaluated: 2016-06-24. Review status: criteria provided, single submitter. Criteria: Invitae Variant Classification Sherloc (09022015). Collection method: clinical testing. Allele origin: germline.
Comment: This variant is a gross deletion of the genomic region encompassing exon 2 of the SPAG1 gene, which includes the initiator codon. The 5' end of this event is unknown as it extends beyond the assayed region for this gene and therefore may encompass additional genes. The 3' boundary is likely confined to intron 2 of the SPAG1 gene. While this particular copy number variant has not been reported in the literature, loss of function variants in SPAG1 are known to be pathogenic (PMID:24055112 ). For these reasons, this variant has been classified as Pathogenic.